The following is an entry in ClinVar:

NM_000142.5(FGFR3):c.1205C>A (p.Pro402His)

Gene: FGFR3 (fibroblast growth factor receptor 3; plus strand). Cytogenetic location: 4p16.3.
Variant type: single nucleotide variant.
Coding change: c.1205C>A on transcript NM_000142.5 (MANE Select); coding-DNA position 1205, C replaced by A.
Protein change: p.Pro402His; replaces proline 402 with histidine.
Molecular consequence: missense variant. On other transcripts: non-coding transcript variant (1), intron variant (1).
Genome position (GRCh38, 1-based): chr4:1,804,459, C>A. VCF-style: chr4-1804459-C-A. GRCh37 (hg19) VCF-style: chr4-1806186-C-A.
Other names: c.1211C>A, p.Pro404His (NM_001163213.2); c.1205C>A, p.Pro402His (NM_001354809.2, NM_001354810.2); c.931-365C>A (NM_022965.4); short protein forms P402H, P404H.
Identifiers: ClinVar variation 4857778 (VCV004857778.1).

ClinVar aggregate classification (germline): Uncertain significance (1 of 4 stars; one submission).

Conditions:
FGFR3-related chondrodysplasia. Identifiers: Orphanet 93420, MedGen C5681604, MONDO:0019685.

gnomAD v4.1: 7 of 1,613,090 alleles (0.00043%); highest among the groups gnomAD compares: South Asian, 0.0077%; no homozygotes.

Submission:

Genomenon, Inc
Classification: Uncertain significance for FGFR3-related chondrodysplasia. Last evaluated: 2026-06-23. Review status: criteria provided, single submitter. Criteria: Genomenon Sequence Variant Interpretation Standards - Updated. Collection method: curation. Allele origin: germline. Affected: no.
Comment: FGFR3 p.Pro402His (c.1205C>A) is a missense variant that changes the amino acid at codon 402 from Proline to Histidine. This variant has been reported in the published literature (PMID:41062690). It is absent or not present at a significant frequency in gnomAD. In silico models predict that this variant is not damaging. In conclusion, we classify FGFR3 p.Pro402His (c.1205C>A) as a variant of uncertain significance.

Literature cited by the submitters: PubMed 41062690.